The following is an entry in ClinVar:

ClinVar aggregate classification (germline): Uncertain significance (1 of 4 stars; one submission).

Submission:

Ambry Genetics
Classification: Uncertain significance. Last evaluated: 2023-06-01. Review status: criteria provided, single submitter. Criteria: Ambry Variant Classification Scheme 2023. Collection method: clinical testing. Allele origin: germline.
Comment: The p.E502K variant (also known as c.1504G>A), located in coding exon 3 of the ALPK2 gene, results from a G to A substitution at nucleotide position 1504. The glutamic acid at codon 502 is replaced by lysine, an amino acid with similar properties. This amino acid position is conserved. In addition, this alteration is predicted to be tolerated by in silico analysis. Since supporting evidence is limited at this time, the clinical significance of this alteration remains unclear.

NM_052947.4(ALPK2):c.1504G>A (p.Glu502Lys)

Gene: ALPK2 (alpha kinase 2; minus strand). Cytogenetic location: 18q21.31.
Variant type: single nucleotide variant.
Coding change: c.1504G>A on transcript NM_052947.4 (MANE Select); coding-DNA position 1504, G replaced by A.
Protein change: p.Glu502Lys; replaces glutamic acid 502 with lysine.
Molecular consequence: missense variant.
Genome position (GRCh38, 1-based): chr18:58,579,272, C>T on the plus strand (G>A on the coding strand, the complement: ALPK2 is on the minus strand). VCF-style: chr18-58579272-C-T. GRCh37 (hg19) VCF-style: chr18-56246504-C-T.
Other names: short protein forms E502K.
Identifiers: ClinVar variation 2561804 (VCV002561804.2), dbSNP rs2518898897, ClinGen allele CA402562543.